The following is an entry in ClinVar:

NM_000059.4(BRCA2):c.8093C>T (p.Ala2698Val)

Gene: BRCA2 (BRCA2 DNA repair associated; plus strand). Cytogenetic location: 13q13.1.
Variant type: single nucleotide variant.
Coding change: c.8093C>T on transcript NM_000059.4 (MANE Select); coding-DNA position 8093, C replaced by T.
Protein change: p.Ala2698Val; replaces alanine 2698 with valine.
Molecular consequence: missense variant. On other transcripts: non-coding transcript variant (1).
Genome position (GRCh38, 1-based): chr13:32,363,295, C>T. VCF-style: chr13-32363295-C-T. GRCh37 (hg19) VCF-style: chr13-32937432-C-T.
Other names: c.7997C>T, p.Ala2666Val (NM_001406719.1); c.8093C>T, p.Ala2698Val (NM_001406720.1); c.3161C>T, p.Ala1054Val (NM_001406721.1); c.1676C>T, p.Ala559Val (NM_001406722.1); short protein forms A1054V, A2666V, A2698V, A559V.
Identifiers: ClinVar variation 2681840 (VCV002681840.1), dbSNP rs1593925072, ClinGen allele CA387749278.

ClinVar aggregate classification (germline): Uncertain significance (1 of 4 stars; one submission).

Allele frequency attached by ClinVar (database versions not stated): gnomAD exomes below 0.00001.
gnomAD v4.1: 1 of 1,614,094 alleles (0.000062%); highest among the groups gnomAD compares: South Asian, 0.0011%; no homozygotes.

Submission:

Quest Diagnostics Nichols Institute San Juan Capistrano
Classification: Uncertain significance. Last evaluated: 2022-11-08. Review status: criteria provided, single submitter. Criteria: Quest Diagnostics criteria. Collection method: clinical testing. Allele origin: unknown.
Comment: This variant has not been described in online databases, and to the best of our knowledge, has not been reported in individuals with BRCA2-related conditions in the published literature. It also has not been reported in large, multi-ethnic general populations. Analysis of this variant using bioinformatics tools for the prediction of the effect of amino acid changes on protein structure and function yielded predictions that this variant is benign. Based on the available information, we are unable to determine the clinical significance of this variant.